The following is an entry in ClinVar:

ClinVar aggregate classification (germline): Benign. Review status: criteria provided, multiple submitters, no conflicts (2 of 4 stars). 2 submissions from 2 submitters: Benign (2). Last evaluated 2014-04-21.

Allele frequency attached by ClinVar (database versions not stated): 1000 Genomes Project 0.00020; TOPMed 0.00086; gnomAD 0.00135 and 0.00145; 1000 Genomes Project 30x 0.00016; ExAC 0.00163; ESP Exome Variant Server 0.00192; gnomAD exomes 0.00145 and 0.00151.

Submissions (2):

GeneDx
Classification: Benign. Last evaluated: 2014-04-21. Review status: criteria provided, single submitter. Criteria: GeneDx Variant Classification (06012015). Collection method: clinical testing. Allele origin: germline. Affected: yes.
Comment: This variant is considered likely benign or benign based on one or more of the following criteria: it is a conservative change, it occurs at a poorly conserved position in the protein, it is predicted to be benign by multiple in silico algorithms, and/or has population frequency not consistent with disease.

Breakthrough Genomics
Classification: Benign. Review status: criteria provided, single submitter. Criteria: ACMG Guidelines, 2015. Collection method: not provided. Allele origin: germline. Inheritance: Unknown mechanism. Affected: yes.

NM_000692.5(ALDH1B1):c.1299G>C (p.Val433=)

Gene: ALDH1B1 (aldehyde dehydrogenase 1 family member B1; plus strand). Cytogenetic location: 9p13.1.
Variant type: single nucleotide variant.
Coding change: c.1299G>C on transcript NM_000692.5 (MANE Select); coding-DNA position 1299, G replaced by C.
Protein change: p.Val433=; no amino-acid change (valine 433 retained).
Molecular consequence: synonymous variant.
Genome position (GRCh38, 1-based): chr9:38,397,047, G>C. VCF-style: chr9-38397047-G-C. GRCh37 (hg19) VCF-style: chr9-38397044-G-C.
Other names: p.V433V:GTG>GTC.
Identifiers: ClinVar variation 136366 (VCV000136366.2), dbSNP rs138566728, ClinGen allele CA289400.